The following is an entry in ClinVar:

NM_004260.4(RECQL4):c.1040G>T (p.Arg347Leu)

Gene: RECQL4 (RecQ like helicase 4; minus strand). Cytogenetic location: 8q24.3.
Variant type: single nucleotide variant.
Coding change: c.1040G>T on transcript NM_004260.4 (MANE Select); coding-DNA position 1040, G replaced by T.
Protein change: p.Arg347Leu; replaces arginine 347 with leucine.
Molecular consequence: missense variant.
Genome position (GRCh38, 1-based): chr8:144,516,079, C>A on the plus strand (G>T on the coding strand, the complement: RECQL4 is on the minus strand). VCF-style: chr8-144516079-C-A. GRCh37 (hg19) VCF-style: chr8-145741463-C-A.
Other names: short protein forms R347L.
Identifiers: ClinVar variation 663613 (VCV000663613.8), dbSNP rs757988816, ClinGen allele CA372688240.

ClinVar aggregate classification (germline): Uncertain significance. Review status: criteria provided, multiple submitters, no conflicts (2 of 4 stars). 2 submissions from 2 submitters: Uncertain significance (2). Last evaluated 2025-04-08.

Conditions:
Inborn genetic diseases. Identifiers: MedGen C0950123, MeSH D030342.
Baller-Gerold syndrome (BGS). Also called: CRANIOSYNOSTOSIS WITH RADIAL DEFECTS. Identifiers: Orphanet 1225, MedGen C0265308, MONDO:0009039, OMIM 218600.

gnomAD v4.1: 20 of 1,612,642 alleles (0.0012%); highest among the groups gnomAD compares: Non-Finnish European, 0.0017%; no homozygotes.

Submissions (2):

Labcorp Genetics (formerly Invitae), Labcorp
Classification: Uncertain significance for Baller-Gerold syndrome. Last evaluated: 2025-04-08. Review status: criteria provided, single submitter. Criteria: Invitae Variant Classification Sherloc (09022015). Collection method: clinical testing. Allele origin: germline.
Comment: This sequence change replaces arginine, which is basic and polar, with leucine, which is neutral and non-polar, at codon 347 of the RECQL4 protein (p.Arg347Leu). This variant is present in population databases (no rsID available, gnomAD 0.0009%). This variant has not been reported in the literature in individuals affected with RECQL4-related conditions. ClinVar contains an entry for this variant (Variation ID: 663613). Invitae Evidence Modeling of protein sequence and biophysical properties (such as structural, functional, and spatial information, amino acid conservation, physicochemical variation, residue mobility, and thermodynamic stability) indicates that this missense variant is not expected to disrupt RECQL4 protein function with a negative predictive value of 80%. Algorithms developed to predict the effect of sequence changes on RNA splicing suggest that this variant may create or strengthen a splice site. In summary, the available evidence is currently insufficient to determine the role of this variant in disease. Therefore, it has been classified as a Variant of Uncertain Significance.

Ambry Genetics
Classification: Uncertain significance for Inborn genetic diseases. Last evaluated: 2025-03-02. Review status: criteria provided, single submitter. Criteria: Ambry Variant Classification Scheme 2023. Collection method: clinical testing. Allele origin: germline.
Comment: The p.R347L variant (also known as c.1040G>T), located in coding exon 5 of the RECQL4 gene, results from a G to T substitution at nucleotide position 1040. The arginine at codon 347 is replaced by leucine, an amino acid with dissimilar properties. This amino acid position is conserved. In addition, this alteration is predicted to be tolerated by in silico analysis. Based on the available evidence, the clinical significance of this variant remains unclear.